The following is an entry in ClinVar:

NM_002578.5(PAK3):c.1520G>A (p.Arg507Gln)

Gene: PAK3 (p21 (RAC1) activated kinase 3; plus strand). Cytogenetic location: Xq23.
Variant type: single nucleotide variant.
Coding change: c.1520G>A on transcript NM_002578.5 (MANE Select); coding-DNA position 1520, G replaced by A.
Protein change: p.Arg507Gln; replaces arginine 507 with glutamine.
Molecular consequence: missense variant. On other transcripts: non-coding transcript variant (2).
Genome position (GRCh38, 1-based): chrX:111,216,533, G>A. VCF-style: chrX-111216533-G-A. GRCh37 (hg19) VCF-style: chrX-110459761-G-A.
Other names: c.1520G>A, p.Arg507Gln (NM_001128166.3, NM_001128167.3, NM_001324325.2 and 5 more transcripts); c.1628G>A, p.Arg543Gln (NM_001128168.3); c.1583G>A, p.Arg528Gln (NM_001128172.2); c.1565G>A, p.Arg522Gln (NM_001128173.3, NM_001324327.2, NM_001324328.2 and 2 more transcripts); short protein forms R507Q, R522Q, R528Q, R543Q.
Identifiers: ClinVar variation 1705152 (VCV001705152.1), dbSNP rs2524490540, ClinGen allele CA414242097.

ClinVar aggregate classification (germline): Uncertain significance (1 of 4 stars; one submission).

Submission:

Women's Health and Genetics/Laboratory Corporation of America, LabCorp
Classification: Uncertain significance. Last evaluated: 2022-08-19. Review status: criteria provided, single submitter. Criteria: LabCorp Variant Classification Summary - May 2015. Collection method: clinical testing. Allele origin: germline.
Comment: Variant summary: PAK3 c.1520G>A (p.Arg507Gln) results in a conservative amino acid change located in the protein kinase domain (IPR000719) of the encoded protein sequence. Four of five in-silico tools predict a damaging effect of the variant on protein function. The variant was absent in 183402 control chromosomes (gnomAD). The available data on variant occurrences in the general population are insufficient to allow any conclusion about variant significance. c.1520G>A has been reported in the literature as a de novo variant in at least one heterozygous female individual affected with early onset cerebellar atrophy (e.g. Chemin_2018). These data do not allow any conclusion about variant significance. To our knowledge, no experimental evidence demonstrating an impact on protein function has been reported. No clinical diagnostic laboratories have submitted clinical-significance assessments for this variant to ClinVar after 2014. Based on the evidence outlined above, the variant was classified as uncertain significance.

Literature cited by the submitters: PubMed 29878067.